The following is an entry in ClinVar:

ClinVar aggregate classification (germline): Pathogenic (1 of 4 stars; one submission).

Conditions:
Pitt-Hopkins-like syndrome 2 (PTHSL2). Identifiers: Orphanet 221150, Orphanet 600663, MedGen C3280479, MONDO:0013690, OMIM 614325.

Allele frequency attached by ClinVar (database versions not stated): gnomAD exomes below 0.00001.
gnomAD v4.1: 1 of 1,613,308 alleles (0.000062%); no homozygotes.

Submission:

Labcorp Genetics (formerly Invitae), Labcorp
Classification: Pathogenic for Pitt-Hopkins-like syndrome 2. Last evaluated: 2024-02-12. Review status: criteria provided, single submitter. Criteria: Invitae Variant Classification Sherloc (09022015). Collection method: clinical testing. Allele origin: germline.
Comment: This sequence change creates a premature translational stop signal (p.Arg1188*) in the NRXN1 gene. It is expected to result in an absent or disrupted protein product. Loss-of-function variants in NRXN1 are known to be pathogenic (PMID: 19896112, 21964664, 23495017, 23533028, 25149956, 30031152). This variant is not present in population databases (gnomAD no frequency). This variant has not been reported in the literature in individuals affected with NRXN1-related conditions. ClinVar contains an entry for this variant (Variation ID: 947115). For these reasons, this variant has been classified as Pathogenic.

Literature cited by the submitters: PubMed 19896112; PubMed 21964664; PubMed 23495017; PubMed 23533028; PubMed 25149956; PubMed 30031152.

NM_001330078.2(NRXN1):c.3442C>T (p.Arg1148Ter)

Gene: NRXN1 (neurexin 1; minus strand). Cytogenetic location: 2p16.3.
Variant type: single nucleotide variant.
Coding change: c.3442C>T on transcript NM_001330078.2 (MANE Select); coding-DNA position 3442, C replaced by T.
Protein change: p.Arg1148Ter; replaces arginine 1148 with a stop codon.
Molecular consequence: nonsense.
Genome position (GRCh38, 1-based): chr2:50,236,893, G>A on the plus strand (C>T on the coding strand, the complement: NRXN1 is on the minus strand). VCF-style: chr2-50236893-G-A. GRCh37 (hg19) VCF-style: chr2-50464031-G-A.
Other names: c.337C>T, p.Arg113Ter (NM_001330097.2, NM_138735.5, NM_001330091.2 and 1 more transcripts); c.3442C>T, p.Arg1148Ter (NM_004801.6, NM_001330086.2); c.3562C>T, p.Arg1188Ter (NM_001135659.3); c.3418C>T, p.Arg1140Ter (NM_001330077.2, NM_001330082.2); c.3376C>T, p.Arg1126Ter (NM_001330083.2, NM_001330084.2); c.3415C>T, p.Arg1139Ter (NM_001330085.2); c.3331C>T, p.Arg1111Ter (NM_001330087.2, NM_001330096.2); c.3361C>T, p.Arg1121Ter (NM_001330088.2); and 3 more; short protein forms R1188*, R113*, R1139*, R1140*, R1144*, R1147*, R1121*, R1148*.
Identifiers: ClinVar variation 947115 (VCV000947115.7), dbSNP rs774740761, ClinGen allele CA47885200.